The following is an entry in ClinVar:

NM_025216.3(WNT10A):c.375A>C (p.Arg125Ser)

Gene: WNT10A (Wnt family member 10A; plus strand). Cytogenetic location: 2q35.
Variant type: single nucleotide variant.
Coding change: c.375A>C on transcript NM_025216.3 (MANE Select); coding-DNA position 375, A replaced by C.
Protein change: p.Arg125Ser; replaces arginine 125 with serine.
Molecular consequence: missense variant.
Genome position (GRCh38, 1-based): chr2:218,882,422, A>C. VCF-style: chr2-218882422-A-C. GRCh37 (hg19) VCF-style: chr2-219747144-A-C.
Other names: short protein forms R125S.
Identifiers: ClinVar variation 3907572 (VCV003907572.1).

ClinVar aggregate classification (germline): Uncertain significance (1 of 4 stars; one submission).

Submission:

Women's Health and Genetics/Laboratory Corporation of America, LabCorp
Classification: Uncertain significance. Last evaluated: 2025-06-23. Review status: criteria provided, single submitter. Criteria: LabCorp Variant Classification Summary - May 2015. Collection method: clinical testing. Allele origin: germline.
Comment: Variant summary: WNT10A c.375A>C (p.Arg125Ser) results in a non-conservative amino acid change in the encoded protein sequence. Algorithms developed to predict the effect of missense changes on protein structure and function are either unavailable or do not agree on the potential impact of this missense change. Several computational tools predict a significant impact on normal splicing: Two predict the variant abolishes a 5' splicing donor site. Two predict the variant weakens a 5' donor site. However, these predictions have yet to be confirmed by functional studies. The variant was absent in 249382 control chromosomes (gnomAD). The available data on variant occurrences in the general population are insufficient to allow any conclusion about variant significance. To our knowledge, no occurrence of c.375A>C in individuals affected with Odonto-onycho-dermal dysplasia and no experimental evidence demonstrating its impact on protein function have been reported. No submitters have cited clinical-significance assessments for this variant to ClinVar. Based on the evidence outlined above, the variant was classified as uncertain significance.